The following is an entry in ClinVar:

NM_007294.4(BRCA1):c.3825_3827del (p.Ile1275_Leu1276delinsMet)

Genes: BRCA1 (BRCA1 DNA repair associated; minus strand), LOC126862571 (BRD4-independent group 4 enhancer GRCh37_chr17:41243136-41244335; plus strand). Cytogenetic location: 17q21.31.
Variant type: Deletion.
Coding change: c.3825_3827del on transcript NM_007294.4 (MANE Select); coding-DNA positions 3825 to 3827, 3 bases deleted (ATT; older notation c.3825_3827delATT).
Protein change: p.Ile1275_Leu1276delinsMet.
Molecular consequence: inframe indel. On other transcripts: intron variant (135).
Genome position (GRCh38, 1-based): chr17:43,091,704-43,091,706, AAT deleted on the plus strand (ATT on the coding strand, the reverse complement: BRCA1 is on the minus strand); deleting any 3 consecutive bases within chr17:43,091,704-43,091,707 gives the same sequence; the c. name uses the placement nearest the transcript's 3' end. VCF-style (leftmost placement, unchanged base first): chr17-43091703-CAAT-C. GRCh37 (hg19) VCF-style: chr17-41243720-CAAT-C.
Other names: c.671-674_671-672del (NM_001408420.1, NM_001408423.1, NM_001408419.1 and 2 more transcripts); c.1221_1223del, p.Ile407_Leu408delinsMet (NM_001407969.1, NM_001407968.1); c.3684_3686del, p.Ile1228_Leu1229delinsMet (NM_007297.4, NM_001407692.1, NM_001407694.1 and 29 more transcripts); c.647-674_647-672del (NM_001408458.1, NM_001408455.1, NM_001408469.1 and 11 more transcripts); c.284-674_284-672del (NM_001408512.1); c.3825_3827del, p.Ile1275_Leu1276delinsMet (NM_007300.4, NM_001407581.1, NM_001407582.1 and 30 more transcripts); c.788-674_788-672del (NM_001408472.1, NM_001407990.1, NM_007299.4 and 17 more transcripts); c.644-674_644-672del (NM_001408468.1, NM_001408470.1, NM_001408464.1 and 3 more transcripts); and 41 more.
Identifiers: ClinVar variation 3650713 (VCV003650713.2).

ClinVar aggregate classification (germline): Uncertain significance (1 of 4 stars; one submission).

Conditions:
Hereditary breast ovarian cancer syndrome. Also called: BRCA1- and BRCA2-Associated Hereditary Breast and Ovarian Cancer; Breast and ovarian cancer; Hereditary breast and ovarian cancer syndrome (HBOC); Hereditary breast and ovarian cancer syndrome; Hereditary breast and/or ovarian cancer syndrome; Hereditary breast and ovarian cancer. Identifiers: Orphanet 145, MedGen C0677776, MeSH D061325, MONDO:0003582. Disease mechanism: loss of function.

Submission:

Labcorp Genetics (formerly Invitae), Labcorp
Classification: Uncertain significance for Hereditary breast ovarian cancer syndrome. Last evaluated: 2024-04-24. Review status: criteria provided, single submitter. Criteria: Invitae Variant Classification Sherloc (09022015). Collection method: clinical testing. Allele origin: germline.
Comment: This variant, c.3825_3827del, is a complex sequence change that results in the deletion of 2 and insertion of 1 amino acid(s) in the BRCA1 protein (p.Ile1275_Leu1276delinsMet). This variant is not present in population databases (gnomAD no frequency). This variant has not been reported in the literature in individuals affected with BRCA1-related conditions. Experimental studies and prediction algorithms are not available or were not evaluated, and the functional significance of this variant is currently unknown. In summary, the available evidence is currently insufficient to determine the role of this variant in disease. Therefore, it has been classified as a Variant of Uncertain Significance.